The following is an entry in ClinVar:

NM_031433.4(MFRP):c.851A>G (p.Asn284Ser)

Genes: C1QTNF5 (C1q and TNF related 5; minus strand), MFRP (membrane frizzled-related protein; minus strand). Cytogenetic location: 11q23.3.
Variant type: single nucleotide variant.
Coding change: c.851A>G on transcript NM_031433.4 (MANE Select); coding-DNA position 851, A replaced by G.
Protein change: p.Asn284Ser; replaces asparagine 284 with serine.
Molecular consequence: missense variant. On other transcripts: 5 prime UTR variant (1).
Genome position (GRCh38, 1-based): chr11:119,344,679, T>C on the plus strand (A>G on the coding strand, the complement: MFRP is on the minus strand). VCF-style: chr11-119344679-T-C. GRCh37 (hg19) VCF-style: chr11-119215389-T-C.
Other names: c.-1786A>G (NM_015645.5); short protein forms N284S.
Identifiers: ClinVar variation 2140286 (VCV002140286.3), dbSNP rs548465614, ClinGen allele CA6320376.
Genomic context (GRCh38, chr11:119,344,679, plus strand): 5'-GCCTGGCCCGTACCCGAGAACTTGGCACTGCAATTGGTCTCATCACTGCCGTCAGCACAG[T>C]TGGCAAAACCATCACACACTGAGTCAGGTAGCAGGCAGATGAGCTGGTCACAGCGGAACT-3'
Protein context (NP_113621.1, residues 274-294): LPDSVCDGFA[Asn284Ser]CADGSDETNC

ClinVar aggregate classification (germline): Uncertain significance. Review status: criteria provided, multiple submitters, no conflicts (2 of 4 stars). 3 submissions from 3 submitters: Uncertain significance (3). Last evaluated 2025-08-07.

Conditions:
Inborn genetic diseases. Identifiers: MedGen C0950123, MeSH D030342.
Isolated microphthalmia 5. Also called: Posterior Microphthalmia with Retinitis Pigmentosa, Foveoschisis, and Optic Disc Drusen. Identifiers: Orphanet 251279, MedGen C1970236, MONDO:0012605, OMIM 611040.

Allele frequency attached by ClinVar (database versions not stated): gnomAD exomes 0.00015; gnomAD 0.00001; ExAC 0.00002.

Submissions (3):

Ambry Genetics
Classification: Uncertain significance for Inborn genetic diseases. Last evaluated: 2025-08-07. Review status: criteria provided, single submitter. Criteria: Ambry Variant Classification Scheme 2023. Collection method: clinical testing. Allele origin: germline.

Blueprint Genetics
Classification: Uncertain significance. Last evaluated: 2024-08-28. Review status: criteria provided, single submitter. Criteria: ACMG Guidelines, 2015. Collection method: clinical testing. Allele origin: germline.

Labcorp Genetics (formerly Invitae), Labcorp
Classification: Uncertain significance for Isolated microphthalmia 5. Last evaluated: 2021-12-12. Review status: criteria provided, single submitter. Criteria: Invitae Variant Classification Sherloc (09022015). Collection method: clinical testing. Allele origin: germline.
Comment: This sequence change replaces asparagine, which is neutral and polar, with serine, which is neutral and polar, at codon 284 of the MFRP protein (p.Asn284Ser). This variant is present in population databases (rs548465614, gnomAD 0.007%). This variant has not been reported in the literature in individuals affected with MFRP-related conditions. Algorithms developed to predict the effect of missense changes on protein structure and function output the following: SIFT: "Tolerated"; PolyPhen-2: "Benign"; Align-GVGD: "Class C0". The serine amino acid residue is found in multiple mammalian species, which suggests that this missense change does not adversely affect protein function. Algorithms developed to predict the effect of sequence changes on RNA splicing suggest that this variant may create or strengthen a splice site. In summary, the available evidence is currently insufficient to determine the role of this variant in disease. Therefore, it has been classified as a Variant of Uncertain Significance.